The following is an entry in ClinVar:

ClinVar aggregate classification (germline): Uncertain significance. Review status: criteria provided, multiple submitters, no conflicts (2 of 4 stars). 2 submissions from 2 submitters: Uncertain significance (2). Last evaluated 2025-10-09.

Conditions:
Long QT syndrome (LQTS). Identifiers: MedGen C0023976, MeSH D008133, MONDO:0002442. Disease mechanism: loss of function. Inheritance: Various modes of inheritance.
Cardiovascular phenotype. Identifiers: MedGen CN230736.

Allele frequency attached by ClinVar (database versions not stated): gnomAD 0.00001.
gnomAD v4.1: 42 of 1,611,414 alleles (0.0026%); highest among the groups gnomAD compares: East Asian, 0.094%; no homozygotes.

Submissions (2):

Labcorp Genetics (formerly Invitae), Labcorp
Classification: Uncertain significance for Long QT syndrome. Last evaluated: 2025-10-09. Review status: criteria provided, single submitter. Criteria: Invitae Variant Classification Sherloc (09022015). Collection method: clinical testing. Allele origin: germline.
Comment: This sequence change replaces glycine, which is neutral and non-polar, with cysteine, which is neutral and slightly polar, at codon 1783 of the CACNA1C protein (p.Gly1783Cys). This variant is not present in population databases (gnomAD no frequency). This missense change has been observed in individual(s) with long QT syndrome (PMID: 24728418). ClinVar contains an entry for this variant (Variation ID: 835581). Invitae Evidence Modeling of protein sequence and biophysical properties (such as structural, functional, and spatial information, amino acid conservation, physicochemical variation, residue mobility, and thermodynamic stability) indicates that this missense variant is not expected to disrupt CACNA1C protein function with a negative predictive value of 95%. Experimental studies have shown that this missense change does not substantially affect CACNA1C function (PMID: 24728418). In summary, the available evidence is currently insufficient to determine the role of this variant in disease. Therefore, it has been classified as a Variant of Uncertain Significance.

Ambry Genetics
Classification: Uncertain significance for Cardiovascular phenotype. Last evaluated: 2025-05-19. Review status: criteria provided, single submitter. Criteria: Ambry Variant Classification Scheme 2023. Collection method: clinical testing. Allele origin: germline.
Comment: The p.G1783C variant (also known as c.5347G>T), located in coding exon 42 of the CACNA1C gene, results from a G to T substitution at nucleotide position 5347. The glycine at codon 1783 is replaced by cysteine, an amino acid with highly dissimilar properties. This alteration has been reported in a subject with features of long QT syndrome (Fukuyama M et al. Europace, 2014 Dec;16:1828-37). This amino acid position is not well conserved in available vertebrate species. In addition, the in silico prediction for this alteration is inconclusive. Since supporting evidence is limited at this time, the clinical significance of this alteration remains unclear.

Literature cited by the submitters: PubMed 24728418 (cited by Labcorp Genetics (formerly Invitae), Labcorp and Ambry Genetics).

NM_000719.7(CACNA1C):c.5347G>T (p.Gly1783Cys)

Genes: CACNA1C (calcium voltage-gated channel subunit alpha1 C; plus strand), CACNA1C-AS1 (CACNA1C antisense RNA 1; minus strand). Cytogenetic location: 12p13.33.
Variant type: single nucleotide variant.
Coding change: c.5347G>T on transcript NM_000719.7 (MANE Select); coding-DNA position 5347, G replaced by T.
Protein change: p.Gly1783Cys; replaces glycine 1783 with cysteine.
Molecular consequence: missense variant.
Genome position (GRCh38, 1-based): chr12:2,679,699, G>T. VCF-style: chr12-2679699-G-T. GRCh37 (hg19) VCF-style: chr12-2788865-G-T.
Other names: c.5491G>T, p.Gly1831Cys (NM_001129827.2, NM_199460.4); c.5470G>T, p.Gly1824Cys (NM_001129829.2); c.5347G>T, p.Gly1783Cys (NM_001129830.3, NM_001129840.2, NM_001129841.2 and 4 more transcripts); c.5431G>T, p.Gly1811Cys (NM_001129831.2); c.5407G>T, p.Gly1803Cys (NM_001129832.2); c.5404G>T, p.Gly1802Cys (NM_001129833.2, NM_001129834.2, NM_001129835.2); c.5398G>T, p.Gly1800Cys (NM_001129836.2); c.5371G>T, p.Gly1791Cys (NM_001129837.2, NM_001129838.2); and 3 more; short protein forms G1772C, G1831C, G1780C, G1783C, G1789C, G1800C, G1824C, G1791C.
Identifiers: ClinVar variation 835581 (VCV000835581.14), dbSNP rs781633980, ClinGen allele CA383379019.
Genomic context (GRCh38, chr12:2,679,699, plus strand): 5'-TCCAACGCCAACATCAACAACGCCAACAACACCGCCCTGGGTCGCCTCCCTCGCCCCGCC[G>T]GCTACCCCAGCACGGTCAGCACTGTGGAGGGCCACGGGCCCCCCTTGTCCCCTGCCATCC-3'
Protein context (NP_000710.5, residues 1773-1793): TALGRLPRPA[Gly1783Cys]YPSTVSTVEG